The following is an entry in ClinVar:

NM_001127198.5(TMC6):c.2351G>A (p.Ser784Asn)

Gene: TMC6 (transmembrane channel like 6; minus strand). Cytogenetic location: 17q25.3.
Variant type: single nucleotide variant.
Coding change: c.2351G>A on transcript NM_001127198.5 (MANE Select); coding-DNA position 2351, G replaced by A.
Protein change: p.Ser784Asn; replaces serine 784 with asparagine.
Molecular consequence: missense variant. On other transcripts: non-coding transcript variant (4).
Genome position (GRCh38, 1-based): chr17:78,113,551, C>T on the plus strand (G>A on the coding strand, the complement: TMC6 is on the minus strand). VCF-style: chr17-78113551-C-T. GRCh37 (hg19) VCF-style: chr17-76109632-C-T.
Other names: c.2351G>A, p.Ser784Asn (NM_001321185.1, NM_001374596.1, NM_001375353.1 and 2 more transcripts); c.2171G>A, p.Ser724Asn (NM_001374593.1, NM_001374594.1); short protein forms S724N, S784N.
Identifiers: ClinVar variation 2151279 (VCV002151279.1), dbSNP rs564327127, ClinGen allele CA8795317.
Genomic context (GRCh38, chr17:78,113,551, plus strand): 5'-CCTGGCCCCTCTCCCCTCCAGGCTCAGAGTGTCCCCAATCCCTCCACGGACCCTCACCTG[C>T]TCCTCTCCTCCCTCTCCTTCCTCTCGTAGATGGAGTGAAGCTTGTTGATTAAGAAGATTT-3'
Protein context (NP_001120670.1, residues 774-794): IYERKEREER[Ser784Asn]RVGTTEEAAA

ClinVar aggregate classification (germline): Uncertain significance (1 of 4 stars; one submission).

Conditions:
Epidermodysplasia verruciformis. Identifiers: Orphanet 302, MedGen C0014522, MONDO:0009176.

Allele frequency attached by ClinVar (database versions not stated): gnomAD exomes below 0.00001; gnomAD 0.00001; ExAC 0.00002; 1000 Genomes Project 30x 0.00016; 1000 Genomes Project 0.00020.
gnomAD v4.1: 2 of 1,614,006 alleles (0.00012%); highest among the groups gnomAD compares: South Asian, 0.0022%; no homozygotes.

Submission:

Labcorp Genetics (formerly Invitae), Labcorp
Classification: Uncertain significance for Epidermodysplasia verruciformis. Last evaluated: 2022-04-01. Review status: criteria provided, single submitter. Criteria: Invitae Variant Classification Sherloc (09022015). Collection method: clinical testing. Allele origin: germline.
Comment: This sequence change replaces serine, which is neutral and polar, with asparagine, which is neutral and polar, at codon 784 of the TMC6 protein (p.Ser784Asn). This variant is present in population databases (rs564327127, gnomAD 0.006%). This variant has not been reported in the literature in individuals affected with TMC6-related conditions. Algorithms developed to predict the effect of missense changes on protein structure and function are either unavailable or do not agree on the potential impact of this missense change (SIFT: "Not Available"; PolyPhen-2: "Benign"; Align-GVGD: "Not Available"). In summary, the available evidence is currently insufficient to determine the role of this variant in disease. Therefore, it has been classified as a Variant of Uncertain Significance.